The following is an entry in ClinVar:

NM_152564.5(VPS13B):c.1306del (p.Leu436_Met437insTer)

Gene: VPS13B (vacuolar protein sorting 13 homolog B; plus strand). Cytogenetic location: 8q22.2.
Variant type: Deletion.
Coding change: c.1306del on transcript NM_152564.5 (MANE Select); coding-DNA position 1306, one base deleted (C; older notation c.1306delC).
Protein change: p.Leu436_Met437insTer.
Molecular consequence: frameshift variant.
Genome position (GRCh38, 1-based): chr8:99,135,018, C deleted; the last of 3 consecutive C bases (chr8:99,135,016-99,135,018); deleting any one gives the same sequence. VCF-style (leftmost placement, unchanged base first): chr8-99135015-GC-G. GRCh37 (hg19) VCF-style: chr8-100147243-GC-G.
Other names: c.1306delC (NM_017890.4); c.1306del, p.Leu436_Met437insTer (NM_015243.3, NM_017890.5).
Identifiers: ClinVar variation 551135 (VCV000551135.7), dbSNP rs1408744761, ClinGen allele CA583825336.

ClinVar aggregate classification (germline): Pathogenic. Review status: criteria provided, single submitter (1 of 4 stars). 2 submissions from 2 submitters: Pathogenic (1). 1 of the submissions does not count toward it. Last evaluated 2021-05-26.

Conditions:
Cohen syndrome (COH1). Also called: Cutis verticis gyrata, retinitis pigmentosa, and sensorineural deafness; PEPPER SYNDROME. Identifiers: Orphanet 193, MedGen C0265223, MONDO:0008999, OMIM 216550.

Submissions (2):

Labcorp Genetics (formerly Invitae), Labcorp
Classification: Pathogenic for Cohen syndrome. Last evaluated: 2021-05-26. Review status: criteria provided, single submitter. Criteria: Invitae Variant Classification Sherloc (09022015). Collection method: clinical testing. Allele origin: germline.
Comment: For these reasons, this variant has been classified as Pathogenic. This variant has not been reported in the literature in individuals with VPS13B-related conditions. ClinVar contains an entry for this variant (Variation ID: 551135). This variant is not present in population databases (ExAC no frequency). This sequence change creates a premature translational stop signal (p.Met437*) in the VPS13B gene. It is expected to result in an absent or disrupted protein product. Loss-of-function variants in VPS13B are known to be pathogenic (PMID: 15141358, 16648375, 20461111).

Counsyl
Classification: Likely pathogenic for Cohen syndrome. Last evaluated: 2017-03-16. Review status: no assertion criteria provided. Collection method: clinical testing. Allele origin: unknown. Not counted in ClinVar's aggregate classification.

Literature cited by the submitters: PubMed 15141358 (cited by Labcorp Genetics (formerly Invitae), Labcorp); PubMed 16648375 (cited by Labcorp Genetics (formerly Invitae), Labcorp); PubMed 20461111 (cited by Labcorp Genetics (formerly Invitae), Labcorp).